The following is an entry in ClinVar:

ClinVar aggregate classification (germline): Pathogenic (1 of 4 stars; one submission).

Conditions:
Neuronal ceroid lipofuscinosis 3 (CLN3). Identifiers: Orphanet 228346, MedGen C0751383, MONDO:0008767, OMIM 204200.

Submission:

Myriad Genetics, Inc.
Classification: Pathogenic for Neuronal ceroid lipofuscinosis 3. Last evaluated: 2023-09-27. Review status: criteria provided, single submitter. Criteria: Myriad Autosomal Dominant, Autosomal Recessive and X-Linked Classification Criteria (2023). Collection method: clinical testing. Allele origin: unknown.
Comment: NM_001042432.1(CLN3):c.807dupC(S270Lfs*30) is expected to be pathogenic in the context of CLN3-related disorders. This variant is predicted to lead to an abnormal or absent protein product due to the creation of a premature termination codon in CLN3, a gene where loss-of-function variants are known to be pathogenic. Please note: this variant was assessed in the context of healthy population screening.

NM_001042432.2(CLN3):c.807dup (p.Ser270fs)

Gene: CLN3 (CLN3 lysosomal/endosomal transmembrane protein, battenin; minus strand). Cytogenetic location: 16p12.1.
Variant type: Duplication.
Coding change: c.807dup on transcript NM_001042432.2 (MANE Select); coding-DNA position 807, one base duplicated (C; older notation c.807dupC).
Protein change: p.Ser270fs; shifts the reading frame from serine 270.
Molecular consequence: frameshift variant.
Genome position (GRCh38, 1-based): chr16:28,482,656, G duplicated on the plus strand (C on the coding strand, the reverse complement: CLN3 is on the minus strand). VCF-style (leftmost placement, unchanged base first): chr16-28482655-A-AG. GRCh37 (hg19) VCF-style: chr16-28493976-A-AG.
Other names: c.807dup, p.Ser270fs (NM_000086.2); c.735dup, p.Ser246fs (NM_001286104.2); c.507dup, p.Ser170fs (NM_001286105.2); c.573dup, p.Ser192fs (NM_001286109.2); c.645dup, p.Ser216fs (NM_001286110.2); short protein forms S170fs, S192fs, S216fs, S246fs, S270fs.
Identifiers: ClinVar variation 5011799 (VCV005011799.1).